The following is an entry in ClinVar:

ClinVar aggregate classification (germline): Uncertain significance (1 of 4 stars; one submission).

Allele frequency attached by ClinVar (database versions not stated): gnomAD 0.00002; TOPMed 0.00002.

Submission:

Women's Health and Genetics/Laboratory Corporation of America, LabCorp
Classification: Uncertain significance. Last evaluated: 2024-02-02. Review status: criteria provided, single submitter. Criteria: LabCorp Variant Classification Summary - May 2015. Collection method: clinical testing. Allele origin: germline.
Comment: Variant summary: CACNA1H c.5548G>A (p.Val1850Met) results in a conservative amino acid change located in the Ion transport domain (IPR005821) of the encoded protein sequence. Four of five in-silico tools predict a damaging effect of the variant on protein function. The variant allele was found at a frequency of 6e-06 in 166728 control chromosomes. The available data on variant occurrences in the general population are insufficient to allow any conclusion about variant significance. To our knowledge, no occurrence of c.5548G>A in individuals affected with Idiopathic Generalized Epilepsy and no experimental evidence demonstrating its impact on protein function have been reported. No submitters have cited clinical-significance assessments for this variant to ClinVar. Based on the evidence outlined above, the variant was classified as uncertain significance.

NM_021098.3(CACNA1H):c.5548G>A (p.Val1850Met)

Gene: CACNA1H (calcium voltage-gated channel subunit alpha1 H; plus strand). Cytogenetic location: 16p13.3.
Variant type: single nucleotide variant.
Coding change: c.5548G>A on transcript NM_021098.3 (MANE Select); coding-DNA position 5548, G replaced by A.
Protein change: p.Val1850Met; replaces valine 1850 with methionine.
Molecular consequence: missense variant.
Genome position (GRCh38, 1-based): chr16:1,218,312, G>A. VCF-style: chr16-1218312-G-A. GRCh37 (hg19) VCF-style: chr16-1268312-G-A.
Other names: c.5530G>A, p.Val1844Met (NM_001005407.2); short protein forms V1844M, V1850M.
Identifiers: ClinVar variation 3068750 (VCV003068750.2), dbSNP rs986566182, ClinGen allele CA276612474.
Genomic context (GRCh38, chr16:1,218,312, plus strand): 5'-AGCTACCTGCCGGCCCTGTCGCCCGTCTACTTCGTGACCTTCGTGCTGGTGGCCCAGTTC[G>A]TGCTGGTGAACGTGGTGGTGGCCGTGCTCATGAAGCACCTGGAGGAGAGCAACAAGGAGG-3'
Protein context (NP_066921.2, residues 1840-1860): FVTFVLVAQF[Val1850Met]LVNVVVAVLM